The following is an entry in ClinVar:

NM_000059.4(BRCA2):c.1595A>C (p.Glu532Ala)

Gene: BRCA2 (BRCA2 DNA repair associated; plus strand). Cytogenetic location: 13q13.1.
Variant type: single nucleotide variant.
Coding change: c.1595A>C on transcript NM_000059.4 (MANE Select); coding-DNA position 1595, A replaced by C.
Protein change: p.Glu532Ala; replaces glutamic acid 532 with alanine.
Molecular consequence: missense variant. On other transcripts: non-coding transcript variant (1), intron variant (1).
Genome position (GRCh38, 1-based): chr13:32,333,073, A>C. VCF-style: chr13-32333073-A-C. GRCh37 (hg19) VCF-style: chr13-32907210-A-C.
Other names: c.1595A>C, p.Glu532Ala (NM_001406719.1, NM_001406720.1, NM_001406721.1); c.424+2043A>C (NM_001406722.1); short protein forms E532A.
Identifiers: ClinVar variation 3261625 (VCV003261625.1).
Genomic context (GRCh38, chr13:32,333,073, plus strand): 5'-CTAAAGAGACTTTCAATGCAAGTTTTTCAGGTCATATGACTGATCCAAACTTTAAAAAAG[A>C]AACTGAAGCCTCTGAAAGTGGACTGGAAATACATACTGTTTGCTCACAGAAGGAGGACTC-3'
Protein context (NP_000050.3, residues 522-542): GHMTDPNFKK[Glu532Ala]TEASESGLEI

ClinVar aggregate classification (germline): Uncertain significance (1 of 4 stars; one submission).

Conditions:
Hereditary cancer-predisposing syndrome. Also called: Hereditary Cancer Syndrome; Tumor predisposition; Hereditary neoplastic syndrome; Neoplastic Syndromes, Hereditary. Identifiers: Orphanet 140162, MedGen C0027672, MeSH D009386, MONDO:0015356.

Submission:

Ambry Genetics
Classification: Uncertain significance for Hereditary cancer-predisposing syndrome. Last evaluated: 2024-05-18. Review status: criteria provided, single submitter. Criteria: Ambry Variant Classification Scheme 2023. Collection method: clinical testing. Allele origin: germline.
Comment: The p.E532A variant (also known as c.1595A>C), located in coding exon 9 of the BRCA2 gene, results from an A to C substitution at nucleotide position 1595. The glutamic acid at codon 532 is replaced by alanine, an amino acid with dissimilar properties. This amino acid position is conserved. In addition, this alteration is predicted to be tolerated by in silico analysis. Based on the available evidence, the clinical significance of this variant remains unclear.